The following is an entry in ClinVar:

NM_000553.6(WRN):c.3625G>T (p.Ala1209Ser)

Gene: WRN (WRN RecQ like helicase; plus strand). Cytogenetic location: 8p12.
Variant type: single nucleotide variant.
Coding change: c.3625G>T on transcript NM_000553.6 (MANE Select); coding-DNA position 3625, G replaced by T.
Protein change: p.Ala1209Ser; replaces alanine 1209 with serine.
Molecular consequence: missense variant.
Genome position (GRCh38, 1-based): chr8:31,150,393, G>T. VCF-style: chr8-31150393-G-T. GRCh37 (hg19) VCF-style: chr8-31007909-G-T.
Other names: short protein forms A1209S.
Identifiers: ClinVar variation 2095095 (VCV002095095.4), dbSNP rs2130454220, ClinGen allele CA370927724.

ClinVar aggregate classification (germline): Uncertain significance (1 of 4 stars; one submission).

Conditions:
Werner syndrome (WRN). Identifiers: Orphanet 902, MedGen C0043119, MONDO:0010196, OMIM 277700.

Submission:

Labcorp Genetics (formerly Invitae), Labcorp
Classification: Uncertain significance for Werner syndrome. Last evaluated: 2022-02-23. Review status: criteria provided, single submitter. Criteria: Invitae Variant Classification Sherloc (09022015). Collection method: clinical testing. Allele origin: germline.
Comment: In summary, the available evidence is currently insufficient to determine the role of this variant in disease. Therefore, it has been classified as a Variant of Uncertain Significance. Algorithms developed to predict the effect of missense changes on protein structure and function output the following: SIFT: "Not Available"; PolyPhen-2: "Benign"; Align-GVGD: "Not Available". The serine amino acid residue is found in multiple mammalian species, which suggests that this missense change does not adversely affect protein function. This variant has not been reported in the literature in individuals affected with WRN-related conditions. This variant is not present in population databases (gnomAD no frequency). This sequence change replaces alanine, which is neutral and non-polar, with serine, which is neutral and polar, at codon 1209 of the WRN protein (p.Ala1209Ser).